The following is an entry in ClinVar:

NM_198565.3(NRROS):c.865G>A (p.Asp289Asn)

Gene: NRROS (negative regulator of reactive oxygen species; plus strand). Cytogenetic location: 3q29.
Variant type: single nucleotide variant.
Coding change: c.865G>A on transcript NM_198565.3 (MANE Select); coding-DNA position 865, G replaced by A.
Protein change: p.Asp289Asn; replaces aspartic acid 289 with asparagine.
Molecular consequence: missense variant.
Genome position (GRCh38, 1-based): chr3:196,660,508, G>A. VCF-style: chr3-196660508-G-A. GRCh37 (hg19) VCF-style: chr3-196387379-G-A.
Other names: short protein forms D289N.
Identifiers: ClinVar variation 4532693 (VCV004532693.1).

ClinVar aggregate classification (germline): Uncertain significance (1 of 4 stars; one submission).

gnomAD v4.1: 1 of 1,614,112 alleles (0.000062%); highest among the groups gnomAD compares: Admixed American, 0.0017%; no homozygotes.

Submission:

GeneDx
Classification: Uncertain significance. Last evaluated: 2025-05-29. Review status: criteria provided, single submitter. Criteria: GeneDx Variant Classification Process June 2021. Collection method: clinical testing. Allele origin: germline. Affected: yes.
Comment: Not observed at significant frequency in large population cohorts (gnomAD); In silico analysis suggests that this missense variant does not alter protein structure/function; Has not been previously published as pathogenic or benign to our knowledge